The following is an entry in ClinVar:

NM_001916.5(CYC1):c.873+7G>A

Gene: CYC1 (cytochrome c1; plus strand). Cytogenetic location: 8q24.3.
Variant type: single nucleotide variant.
Coding change: c.873+7G>A on transcript NM_001916.5 (MANE Select); 7 bases into the intron after coding-DNA position 873, G replaced by A.
Molecular consequence: intron variant.
Genome position (GRCh38, 1-based): chr8:144,097,141, G>A. VCF-style: chr8-144097141-G-A. GRCh37 (hg19) VCF-style: chr8-145152044-G-A.
Identifiers: ClinVar variation 389380 (VCV000389380.36), dbSNP rs200281879, ClinGen allele CA4933564.
Genomic context (GRCh38, chr8:144,097,141, plus strand): 5'-CTGCGCTGGGCATCTGAGCCAGAGCACGACCATCGAAAACGCATGGGGCTCAAGGTAAAA[G>A]GGTTGGGAGGCCATGGTGGGTATCAGAGAAGGGCTGGGAGCTGGGCAGGGCTCCTCCCCA-3'

ClinVar aggregate classification (germline): Benign/Likely benign. Review status: criteria provided, multiple submitters, no conflicts (2 of 4 stars). 6 submissions from 6 submitters: Benign (1); Likely benign (4). 1 of the submissions does not count toward it. Last evaluated 2025-12-15.

Conditions:
CYC1-related disorder. Also called: CYC1-related condition.
Mitochondrial complex III deficiency nuclear type 6. Identifiers: MedGen C3809553, MONDO:0014194, OMIM 615453.

Allele frequency attached by ClinVar (database versions not stated): gnomAD 0.00193 and 0.00202; ExAC 0.00214; gnomAD exomes 0.00219 and 0.00168; ESP Exome Variant Server 0.00054; TOPMed 0.00073; 1000 Genomes Project 30x 0.00094; 1000 Genomes Project 0.00120.
gnomAD v4.1: 2,723 of 1,612,276 alleles (0.17%); highest among the groups gnomAD compares: Non-Finnish European, 0.14%; 8 homozygotes.

Submissions (9):

Labcorp Genetics (formerly Invitae), Labcorp
Classification: Benign. Last evaluated: 2025-12-15. Review status: criteria provided, single submitter. Criteria: Invitae Variant Classification Sherloc (09022015). Collection method: clinical testing. Allele origin: germline.

Blueprint Genetics
Classification: Likely benign. Last evaluated: 2024-11-08. Review status: criteria provided, single submitter. Criteria: ACMG Guidelines, 2015. Collection method: clinical testing. Allele origin: germline.

CeGaT Center for Human Genetics Tuebingen
Classification: Likely benign. Last evaluated: 2023-11-01. Review status: criteria provided, single submitter. Criteria: CeGaT Center For Human Genetics Tuebingen Variant Classification Criteria Version 2. Collection method: clinical testing. Allele origin: germline. Affected: yes. Observed: 1 variant allele.
Comment: CYC1: BS2

Fulgent Genetics
Classification: Likely benign for Mitochondrial complex III deficiency nuclear type 6. Last evaluated: 2021-07-19. Review status: criteria provided, single submitter. Criteria: ACMG Guidelines, 2015. Collection method: clinical testing. Allele origin: unknown.

GeneDx
Classification: Likely benign. Last evaluated: 2016-12-07. Review status: criteria provided, single submitter. Criteria: GeneDx Variant Classification (06012015). Collection method: clinical testing. Allele origin: germline. Affected: yes.
Comment: This variant is considered likely benign or benign based on one or more of the following criteria: it is a conservative change, it occurs at a poorly conserved position in the protein, it is predicted to be benign by multiple in silico algorithms, and/or has population frequency not consistent with disease.

PreventionGenetics, part of Exact Sciences
Classification: Benign for CYC1-related condition. Last evaluated: 2019-09-17. Review status: no assertion criteria provided. Collection method: clinical testing. Allele origin: germline. Not counted in ClinVar's aggregate classification.
Comment: This variant is classified as benign based on ACMG/AMP sequence variant interpretation guidelines (Richards et al. 2015 PMID: 25741868, with internal and published modifications).

Dr. Peter K. Rogan Lab, Western University
No classification provided (evidence only). Condition: Familial cancer of breast. Review status: no classification provided. Collection method: in vitro. Allele origin: not applicable. Functional consequence: retained intron. Not counted in ClinVar's aggregate classification.

Dr. Peter K. Rogan Lab, Western University
No classification provided (evidence only). Condition: Acute myeloid leukemia. Review status: no classification provided. Collection method: in vitro. Allele origin: not applicable. Functional consequence: retained intron. Not counted in ClinVar's aggregate classification.

Dr. Peter K. Rogan Lab, Western University
No classification provided (evidence only). Condition: Acute myeloid leukemia. Review status: no classification provided. Collection method: in vitro. Allele origin: not applicable. Functional consequence: retained intron. Not counted in ClinVar's aggregate classification.